The following is an entry in ClinVar:

NM_000051.4(ATM):c.663-2del

Gene: ATM (ATM serine/threonine kinase; plus strand). Cytogenetic location: 11q22.3.
Variant type: Deletion.
Coding change: c.663-2del on transcript NM_000051.4 (MANE Select); the canonical splice acceptor site of the intron before coding-DNA position 663, one base deleted (A; older notation c.663-2delA).
Molecular consequence: splice acceptor variant.
Genome position (GRCh38, 1-based): chr11:108,244,786, A deleted. VCF-style (leftmost placement, unchanged base first): chr11-108244785-CA-C. GRCh37 (hg19) VCF-style: chr11-108115512-CA-C.
Other names: c.663-2del (NM_001351834.2).
Identifiers: ClinVar variation 2071888 (VCV002071888.4), dbSNP rs2497146345, ClinGen allele CA2580083222.
Genomic context (GRCh38, chr11:108,244,785, plus strand): 5'-TGTTCAGTTTGTACAGTTTGTTCCCCCTGTTATACCCAGTTGAGCTTGTTTGTTTCTTCA[CA>C]GACAAGAAAAGAGCTCTTCAGGTCTAAATCATATCTTAGCAGCTCTTACTATCTTCCTCA-3'

ClinVar aggregate classification (germline): Likely pathogenic (1 of 4 stars; one submission).

Conditions:
Ataxia-telangiectasia syndrome (AT). Also called: Ataxia-telangiectasia, complementation group E; Ataxia-telangiectasia; Ataxia telangiectasia (A-T); Cerebello-oculocutaneous telangiectasia; Immunodeficiency with ataxia telangiectasia; LOUIS-BAR SYNDROME. Identifiers: Orphanet 100, MedGen C0004135, MONDO:0008840, OMIM 208900.

Submission:

Labcorp Genetics (formerly Invitae), Labcorp
Classification: Likely pathogenic for Ataxia-telangiectasia syndrome. Last evaluated: 2022-01-03. Review status: criteria provided, single submitter. Criteria: Invitae Variant Classification Sherloc (09022015). Collection method: clinical testing. Allele origin: germline.
Comment: In summary, the currently available evidence indicates that the variant is pathogenic, but additional data are needed to prove that conclusively. Therefore, this variant has been classified as Likely Pathogenic. Algorithms developed to predict the effect of sequence changes on RNA splicing suggest that this variant may disrupt the consensus splice site. This variant has not been reported in the literature in individuals affected with ATM-related conditions. This variant is not present in population databases (gnomAD no frequency). This sequence change affects a splice site in intron 6 of the ATM gene. It is expected to disrupt RNA splicing. Variants that disrupt the donor or acceptor splice site typically lead to a loss of protein function (PMID: 16199547), and loss-of-function variants in ATM are known to be pathogenic (PMID: 23807571, 25614872).

Literature cited by the submitters: PubMed 16199547; PubMed 23807571; PubMed 25614872.